The following is an entry in ClinVar:

NM_000059.4(BRCA2):c.8321T>C (p.Leu2774Pro)

Gene: BRCA2 (BRCA2 DNA repair associated; plus strand). Cytogenetic location: 13q13.1.
Variant type: single nucleotide variant.
Coding change: c.8321T>C on transcript NM_000059.4 (MANE Select); coding-DNA position 8321, T replaced by C.
Protein change: p.Leu2774Pro; replaces leucine 2774 with proline.
Molecular consequence: missense variant.
Genome position (GRCh38, 1-based): chr13:32,363,523, T>C. VCF-style: chr13-32363523-T-C. GRCh37 (hg19) VCF-style: chr13-32937660-T-C.
Other names: short protein forms L2774P.
Identifiers: ClinVar variation 822296 (VCV000822296.6), dbSNP rs786203278, ClinGen allele CA387750260.

ClinVar aggregate classification (germline): Conflicting classifications of pathogenicity. Review status: criteria provided, conflicting classifications (1 of 4 stars). 2 submissions from 2 submitters: Uncertain significance (1); Likely benign (1). Last evaluated 2024-03-06.

Conditions:
Hereditary cancer-predisposing syndrome. Also called: Tumor predisposition; Hereditary Cancer Syndrome; Neoplastic Syndromes, Hereditary; Hereditary neoplastic syndrome. Identifiers: Orphanet 140162, MedGen C0027672, MeSH D009386, MONDO:0015356.

Submissions (2):

Color Diagnostics, LLC DBA Color Health
Classification: Uncertain significance for Hereditary cancer-predisposing syndrome. Last evaluated: 2024-03-06. Review status: criteria provided, single submitter. Criteria: ACMG Guidelines, 2015. Collection method: clinical testing. Allele origin: germline.
Comment: This missense variant replaces leucine with proline at codon 2774 of the BRCA2 protein. Computational prediction suggests that this variant may have deleterious impact on protein structure and function (internally defined REVEL score threshold >= 0.7, PMID: 27666373). To our knowledge, functional studies have not been reported for this variant. This variant has not been reported in individuals affected with hereditary cancer in the literature. This variant has not been identified in the general population by the Genome Aggregation Database (gnomAD). The available evidence is insufficient to determine the role of this variant in disease conclusively. Therefore, this variant is classified as a Variant of Uncertain Significance.

Ambry Genetics
Classification: Likely benign for Hereditary cancer-predisposing syndrome. Last evaluated: 2022-01-09. Review status: criteria provided, single submitter. Criteria: Ambry Variant Classification Scheme 2023. Collection method: clinical testing. Allele origin: germline.